The following is an entry in ClinVar:

NM_018489.3(ASH1L):c.5188A>G (p.Met1730Val)

Gene: ASH1L (ASH1 like histone lysine methyltransferase; minus strand). Cytogenetic location: 1q22.
Variant type: single nucleotide variant.
Coding change: c.5188A>G on transcript NM_018489.3 (MANE Select); coding-DNA position 5188, A replaced by G.
Protein change: p.Met1730Val; replaces methionine 1730 with valine.
Molecular consequence: missense variant.
Genome position (GRCh38, 1-based): chr1:155,438,967, T>C on the plus strand (A>G on the coding strand, the complement: ASH1L is on the minus strand). VCF-style: chr1-155438967-T-C. GRCh37 (hg19) VCF-style: chr1-155408758-T-C.
Other names: c.5188A>G, p.Met1730Val (NM_001366177.2); short protein forms M1730V.
Identifiers: ClinVar variation 3045672 (VCV003045672.3), dbSNP rs200752027, ClinGen allele CA1146798.

ClinVar aggregate classification (germline): Likely benign. Review status: criteria provided, single submitter (1 of 4 stars). 2 submissions from 2 submitters: Likely benign (1). 1 of the submissions does not count toward it. Last evaluated 2024-09-12.

Conditions:
ASH1L-related disorder. Also called: ASH1L-related condition.

Allele frequency attached by ClinVar (database versions not stated): gnomAD 0.00002; TOPMed 0.00004; ExAC 0.00005; gnomAD exomes 0.00009.

Submissions (2):

Blueprint Genetics
Classification: Likely benign. Last evaluated: 2024-09-12. Review status: criteria provided, single submitter. Criteria: ACMG Guidelines, 2015. Collection method: clinical testing. Allele origin: germline.

PreventionGenetics, part of Exact Sciences
Classification: Likely benign for ASH1L-related condition. Last evaluated: 2022-12-09. Review status: no assertion criteria provided. Collection method: clinical testing. Allele origin: germline. Not counted in ClinVar's aggregate classification.
Comment: This variant is classified as likely benign based on ACMG/AMP sequence variant interpretation guidelines (Richards et al. 2015 PMID: 25741868, with internal and published modifications).